The following is an entry in ClinVar:

ClinVar aggregate classification (germline): Benign/Likely benign. Review status: criteria provided, multiple submitters, no conflicts (2 of 4 stars). 12 submissions from 12 submitters: Benign (4); Likely benign (6). 2 of the submissions do not count toward it. Last evaluated 2026-01-26.

Conditions:
APC-related disorder. Also called: APC-related condition.
Hereditary cancer-predisposing syndrome. Also called: Tumor predisposition; Neoplastic Syndromes, Hereditary; Hereditary Cancer Syndrome; Hereditary neoplastic syndrome. Identifiers: Orphanet 140162, MedGen C0027672, MeSH D009386, MONDO:0015356.
Familial adenomatous polyposis 1 (FAP1). Also called: POLYPOSIS, ADENOMATOUS INTESTINAL; FAMILIAL ADENOMATOUS POLYPOSIS 1, ATTENUATED. Identifiers: MedGen C2713442, MONDO:0021056, OMIM 175100. Disease mechanism: loss of function.

Allele frequency attached by ClinVar (database versions not stated): ExAC 0.00005; gnomAD 0.00005; gnomAD exomes 0.00005; TOPMed 0.00005.
gnomAD v4.1: 76 of 1,613,852 alleles (0.0047%); highest among the groups gnomAD compares: South Asian, 0.0066%; no homozygotes.

Submissions (12):

Labcorp Genetics (formerly Invitae), Labcorp
Classification: Likely benign for Familial adenomatous polyposis 1. Last evaluated: 2026-01-26. Review status: criteria provided, single submitter. Criteria: Invitae Variant Classification Sherloc (09022015). Collection method: clinical testing. Allele origin: germline.

CeGaT Center for Human Genetics Tuebingen
Classification: Likely benign. Last evaluated: 2025-02-01. Review status: criteria provided, single submitter. Criteria: CeGaT Center For Human Genetics Tuebingen Variant Classification Criteria Version 2. Collection method: clinical testing. Allele origin: germline. Affected: yes. Observed: 2 variant alleles.
Comment: APC: BP4, BP7

Blueprint Genetics
Classification: Likely benign. Last evaluated: 2023-11-24. Review status: criteria provided, single submitter. Criteria: ACMG Guidelines, 2015. Collection method: clinical testing. Allele origin: germline.

Myriad Genetics, Inc.
Classification: Benign for Familial adenomatous polyposis 1. Last evaluated: 2023-02-17. Review status: criteria provided, single submitter. Criteria: Myriad Autosomal Dominant, Autosomal Recessive and X-Linked Classification Criteria (2023). Collection method: clinical testing. Allele origin: unknown.
Comment: This variant is considered benign. This variant is a silent/synonymous amino acid change and it is not expected to impact splicing.

Quest Diagnostics Nichols Institute San Juan Capistrano
Classification: Benign. Last evaluated: 2022-09-22. Review status: criteria provided, single submitter. Criteria: Quest Diagnostics criteria. Collection method: clinical testing. Allele origin: unknown.

Sema4
Classification: Likely benign for Hereditary cancer-predisposing syndrome. Last evaluated: 2021-04-05. Review status: criteria provided, single submitter. Criteria: Sema4 Curation Guidelines. Collection method: curation. Allele origin: germline.

Ambry Genetics
Classification: Likely benign for Hereditary cancer-predisposing syndrome. Last evaluated: 2019-05-22. Review status: criteria provided, single submitter. Criteria: Ambry Variant Classification Scheme 2023. Collection method: clinical testing. Allele origin: germline.

Women's Health and Genetics/Laboratory Corporation of America, LabCorp
Classification: Benign. Last evaluated: 2018-11-30. Review status: criteria provided, single submitter. Criteria: LabCorp Variant Classification Summary - May 2015. Collection method: clinical testing. Allele origin: germline.
Comment: Variant summary: APC c.7878T>G alters a non-conserved nucleotide resulting in a synonymous change. Several computational tools predict a significant impact on normal splicing: Three predict the variant strengthens a cryptic 5 donor site. However, these predictions have yet to be confirmed by functional studies. The variant allele was found at a frequency of 5.1e-05 in 276846 control chromosomes, predominantly at a frequency of 9.5e-05 within the Non-Finnish European subpopulation in the gnomAD database. The observed variant frequency within Non-Finnish European control individuals in the gnomAD database is approximately 1.33 fold of the estimated maximal expected allele frequency for a pathogenic variant in APC causing Familial Adenomatous Polyposis phenotype (7.1e-05), strongly suggesting that the variant is a benign polymorphism found primarily in populations of Non-Finnish European origin. To our knowledge, no occurrence of c.7878T>G in individuals affected with Familial Adenomatous Polyposis and no experimental evidence demonstrating its impact on protein function have been reported. Four clinical diagnostic laboratories have submitted clinical-significance assessments for this variant to ClinVar after 2014 without evidence for independent evaluation. Based on the evidence outlined above, the variant was classified as benign.

Color Diagnostics, LLC DBA Color Health
Classification: Likely benign for Hereditary cancer-predisposing syndrome. Last evaluated: 2016-05-03. Review status: criteria provided, single submitter. Criteria: ACMG Guidelines, 2015. Collection method: clinical testing. Allele origin: germline.

GeneDx
Classification: Benign. Last evaluated: 2015-09-10. Review status: criteria provided, single submitter. Criteria: GeneDx Variant Classification (06012015). Collection method: clinical testing. Allele origin: germline. Affected: yes.
Comment: This variant is considered likely benign or benign based on one or more of the following criteria: it is a conservative change, it occurs at a poorly conserved position in the protein, it is predicted to be benign by multiple in silico algorithms, and/or has population frequency not consistent with disease.

PreventionGenetics, part of Exact Sciences
Classification: Likely benign for APC-related condition. Last evaluated: 2023-09-27. Review status: no assertion criteria provided. Collection method: clinical testing. Allele origin: germline. Not counted in ClinVar's aggregate classification.
Comment: This variant is classified as likely benign based on ACMG/AMP sequence variant interpretation guidelines (Richards et al. 2015 PMID: 25741868, with internal and published modifications).

Counsyl
Classification: Likely benign for Familial adenomatous polyposis 1. Last evaluated: 2016-10-31. Review status: no assertion criteria provided. Collection method: clinical testing. Allele origin: unknown. Not counted in ClinVar's aggregate classification.

NM_000038.6(APC):c.7878T>G (p.Thr2626=)

Gene: APC (APC regulator of Wnt signaling pathway; plus strand). Cytogenetic location: 5q22.2.
Variant type: single nucleotide variant.
Coding change: c.7878T>G on transcript NM_000038.6 (MANE Select); coding-DNA position 7878, T replaced by G.
Protein change: p.Thr2626=; no amino-acid change (threonine 2626 retained).
Molecular consequence: synonymous variant.
Genome position (GRCh38, 1-based): chr5:112,843,472, T>G. VCF-style: chr5-112843472-T-G. GRCh37 (hg19) VCF-style: chr5-112179169-T-G.
Other names: c.7878T>G, p.Thr2626= (NM_001127510.3, NM_001354895.2); c.7824T>G, p.Thr2608= (NM_001127511.3); c.7932T>G, p.Thr2644= (NM_001354896.2); c.7908T>G, p.Thr2636= (NM_001354897.2); c.7803T>G, p.Thr2601= (NM_001354898.2); c.7794T>G, p.Thr2598= (NM_001354899.2); c.7755T>G, p.Thr2585= (NM_001354900.2); c.7701T>G, p.Thr2567= (NM_001354901.2); and 5 more.
Identifiers: ClinVar variation 184082 (VCV000184082.49), dbSNP rs757020188, ClinGen allele CA014151.